The following is an entry in ClinVar:

NM_000178.4(GSS):c.871G>A (p.Ala291Thr)

Gene: GSS (glutathione synthetase; minus strand). Cytogenetic location: 20q11.22.
Variant type: single nucleotide variant.
Coding change: c.871G>A on transcript NM_000178.4 (MANE Select); coding-DNA position 871, G replaced by A.
Protein change: p.Ala291Thr; replaces alanine 291 with threonine.
Molecular consequence: missense variant.
Genome position (GRCh38, 1-based): chr20:34,932,097, C>T on the plus strand (G>A on the coding strand, the complement: GSS is on the minus strand). VCF-style: chr20-34932097-C-T. GRCh37 (hg19) VCF-style: chr20-33519900-C-T.
Other names: c.871G>A, p.Ala291Thr (NM_001322494.1, NM_001322495.1); short protein forms A291T.
Identifiers: ClinVar variation 1691071 (VCV001691071.3), dbSNP rs2147122515, ClinGen allele CA408701336.

ClinVar aggregate classification (germline): Uncertain significance (1 of 4 stars; one submission).

Submission:

Laboratorio de Genetica e Diagnostico Molecular, Hospital Israelita Albert Einstein
Classification: Uncertain significance. Last evaluated: 2024-03-21. Review status: criteria provided, single submitter. Criteria: ACMG Guidelines, 2015. Collection method: clinical testing. Allele origin: germline. Affected: yes.
Comment: ACMG classification criteria: PM2_sup, PP3